The following is an entry in ClinVar:

ClinVar aggregate classification (germline): Likely benign. Review status: criteria provided, multiple submitters, no conflicts (2 of 4 stars). 2 submissions from 2 submitters: Likely benign (2). Last evaluated 2026-04-20.

Conditions:
TOPORS-related disorder. Also called: TOPORS-related condition.

Allele frequency attached by ClinVar (database versions not stated): gnomAD exomes below 0.00001; ExAC 0.00001; TOPMed 0.00001.
gnomAD v4.1: 7 of 1,614,192 alleles (0.00043%); highest among the groups gnomAD compares: East Asian, 0.016%; no homozygotes.

Submissions (2):

PreventionGenetics, part of Exact Sciences
Classification: Likely benign for TOPORS-related condition. Last evaluated: 2026-04-20. Review status: criteria provided, single submitter. Criteria: ACMG Guidelines, 2015. Collection method: clinical testing. Allele origin: germline.
Comment: This variant is classified as likely benign based on ACMG/AMP sequence variant interpretation guidelines (Richards et al. 2015 PMID: 25741868, with internal and published modifications).

Labcorp Genetics (formerly Invitae), Labcorp
Classification: Likely benign. Last evaluated: 2022-05-01. Review status: criteria provided, single submitter. Criteria: Invitae Variant Classification Sherloc (09022015). Collection method: clinical testing. Allele origin: germline.

NM_005802.5(TOPORS):c.1539G>T (p.Val513=)

Gene: TOPORS (TOP1 binding arginine/serine rich protein, E3 ubiquitin ligase; minus strand). Cytogenetic location: 9p21.1.
Variant type: single nucleotide variant.
Coding change: c.1539G>T on transcript NM_005802.5 (MANE Select); coding-DNA position 1539, G replaced by T.
Protein change: p.Val513=; no amino-acid change (valine 513 retained).
Molecular consequence: synonymous variant.
Genome position (GRCh38, 1-based): chr9:32,542,986, C>A on the plus strand (G>T on the coding strand, the complement: TOPORS is on the minus strand). VCF-style: chr9-32542986-C-A. GRCh37 (hg19) VCF-style: chr9-32542984-C-A.
Other names: c.1539G>T (NM_005802.4); c.1344G>T, p.Val448= (NM_001195622.2).
Identifiers: ClinVar variation 1914307 (VCV001914307.6), dbSNP rs759062062, ClinGen allele CA5020515.
Genomic context (GRCh38, chr9:32,542,986, plus strand): 5'-TGAGCATCTACTAACATCGCTATCACCAGAACTGTAAGATTGCTCCTGTTCTTGTGTCTT[C>A]ACTGTCTCCATTTTCTCATAAGAACCTAAGTCCTCAGAATCAGAGGACAGTTCAACAAGT-3'
Protein context (NP_005793.2, residues 503-523): DLGSYEKMET[Val513=]KTQEQEQSYS